The following is an entry in ClinVar:

ClinVar aggregate classification (germline): Uncertain significance (1 of 4 stars; one submission).

Conditions:
Familial cold autoinflammatory syndrome 3 (FCAS3). Also called: ANTIBODY DEFICIENCY AND IMMUNE DYSREGULATION, PLCG2-ASSOCIATED; FAMILIAL ATYPICAL COLD URTICARIA. Identifiers: Orphanet 300359, MedGen C3280914, MONDO:0013766, OMIM 614468.

Allele frequency attached by ClinVar (database versions not stated): gnomAD exomes below 0.00001.
gnomAD v4.1: 1 of 1,613,482 alleles (0.000062%); highest among the groups gnomAD compares: Non-Finnish European, 0.000085%; no homozygotes.

Submission:

Labcorp Genetics (formerly Invitae), Labcorp
Classification: Uncertain significance for Familial cold autoinflammatory syndrome 3. Last evaluated: 2024-04-15. Review status: criteria provided, single submitter. Criteria: Invitae Variant Classification Sherloc (09022015). Collection method: clinical testing. Allele origin: germline.
Comment: This sequence change replaces lysine, which is basic and polar, with threonine, which is neutral and polar, at codon 913 of the PLCG2 protein (p.Lys913Thr). This variant is not present in population databases (gnomAD no frequency). This variant has not been reported in the literature in individuals affected with PLCG2-related conditions. An algorithm developed to predict the effect of missense changes on protein structure and function (PolyPhen-2) suggests that this variant is likely to be tolerated. In summary, the available evidence is currently insufficient to determine the role of this variant in disease. Therefore, it has been classified as a Variant of Uncertain Significance.

NM_002661.5(PLCG2):c.2738A>C (p.Lys913Thr)

Gene: PLCG2 (phospholipase C gamma 2; plus strand). Cytogenetic location: 16q23.3.
Variant type: single nucleotide variant.
Coding change: c.2738A>C on transcript NM_002661.5 (MANE Select); coding-DNA position 2738, A replaced by C.
Protein change: p.Lys913Thr; replaces lysine 913 with threonine.
Molecular consequence: missense variant.
Genome position (GRCh38, 1-based): chr16:81,931,653, A>C. VCF-style: chr16-81931653-A-C. GRCh37 (hg19) VCF-style: chr16-81965258-A-C.
Other names: c.2738A>C, p.Lys913Thr (NM_001425751.1, NM_001425749.1, NM_001425750.1); short protein forms K913T.
Identifiers: ClinVar variation 2742549 (VCV002742549.3), dbSNP rs1910507967, ClinGen allele CA396903902.
Genomic context (GRCh38, chr16:81,931,653, plus strand): 5'-TGGAGGAGCTCTTTGAGTGGTTTCAGAGCATCCGAGAGATCACCTGGAAGATTGACACCA[A>C]GGTAGGCACCTGCTCACCCGGGTGCAGGTGGGCCTGGCATTCTGAGGGCTTTGGTGCTCA-3'
Protein context (NP_002652.2, residues 903-923): IREITWKIDT[Lys913Thr]ENNMKYWEKN